The following is an entry in ClinVar:

NM_001374259.2(IL12RB2):c.808-74_808-73dup

Gene: IL12RB2 (interleukin 12 receptor subunit beta 2; plus strand). Cytogenetic location: 1p31.3.
Variant type: Duplication.
Coding change: c.808-74_808-73dup on transcript NM_001374259.2 (MANE Select); 74 bases into the intron before coding-DNA position 808 through 73 bases into the intron before coding-DNA position 808, 2 bases duplicated (TT; older notation c.808-74_808-73dupTT).
Molecular consequence: intron variant.
Genome position (GRCh38, 1-based): chr1:67,330,586-67,330,587, TT duplicated; duplicating any 2 consecutive bases within chr1:67,330,576-67,330,587 gives the same sequence; the c. name uses the placement nearest the transcript's 3' end. VCF-style (leftmost placement, unchanged base first): chr1-67330575-G-GTT. GRCh37 (hg19) VCF-style: chr1-67796258-G-GTT.
Other names: c.808-74_808-73dup (NM_001258214.1, NM_001319233.1, NM_001258216.1 and 2 more transcripts).
Identifiers: ClinVar variation 2628245 (VCV002628245.2), dbSNP rs11463498, ClinGen allele CA23503387.

ClinVar aggregate classification (germline): Benign (1 of 4 stars; one submission).

Submission:

Unidad de Genómica Garrahan, Hospital de Pediatría Garrahan
Classification: Benign. Last evaluated: 2023-11-12. Review status: criteria provided, single submitter. Criteria: ACMG Guidelines, 2015. Collection method: clinical testing. Allele origin: germline. Affected: no. Observed: 28 variant alleles.
Comment: This variant is classified as Benign based on local population frequency. This variant was detected in 29% of patients studied by a panel of primary immunodeficiencies. Number of patients: 28. Only high quality variants are reported.